The following is an entry in ClinVar:

NM_014714.4(IFT140):c.1429G>T (p.Ala477Ser)

Genes: IFT140 (intraflagellar transport 140; minus strand), LOC105371046 (uncharacterized LOC105371046; plus strand). Cytogenetic location: 16p13.3.
Variant type: single nucleotide variant.
Coding change: c.1429G>T on transcript NM_014714.4 (MANE Select); coding-DNA position 1429, G replaced by T.
Protein change: p.Ala477Ser; replaces alanine 477 with serine.
Molecular consequence: missense variant.
Genome position (GRCh38, 1-based): chr16:1,583,317, C>A on the plus strand (G>T on the coding strand, the complement: IFT140 is on the minus strand). VCF-style: chr16-1583317-C-A. GRCh37 (hg19) VCF-style: chr16-1633318-C-A.
Other names: c.1429G>T (NM_014714.3); short protein forms A477S.
Identifiers: ClinVar variation 1374611 (VCV001374611.6), dbSNP rs2034677396, ClinGen allele CA394213465.

ClinVar aggregate classification (germline): Uncertain significance. Review status: criteria provided, multiple submitters, no conflicts (2 of 4 stars). 3 submissions from 3 submitters: Uncertain significance (3). Last evaluated 2026-03-15.

Conditions:
IFT140-related disorder. Also called: IFT140-related condition.
Retinitis pigmentosa 80 (RP80). Identifiers: MedGen C4540439, MONDO:0054708, OMIM 617781.
Saldino-Mainzer syndrome (SRTD9). Also called: Renal dysplasia, retinal pigmentary dystrophy, cerebellar ataxia and skeletal dysplasia; short-rib thoracic dysplasia 9 with or without polydactyly; SHORT-RIB THORACIC DYSPLASIA 9 WITHOUT POLYDACTYLY; CONORENAL SYNDROME. Identifiers: Orphanet 140969, MedGen C1849437, MONDO:0009964, OMIM 266920.

gnomAD v4.1: 6 of 1,613,974 alleles (0.00037%); highest among the groups gnomAD compares: Non-Finnish European, 0.00051%; no homozygotes.

Submissions (3):

PreventionGenetics, part of Exact Sciences
Classification: Uncertain significance for IFT140-related condition. Last evaluated: 2026-03-15. Review status: criteria provided, single submitter. Criteria: ACMG Guidelines, 2015. Collection method: clinical testing. Allele origin: germline.
Comment: The IFT140 c.1429G>T variant is predicted to result in the amino acid substitution p.Ala477Ser. To our knowledge, this variant has not been reported in the literature or in a large population database (gnomAD), indicating this variant is rare. At this time, the clinical significance of this variant is uncertain due to the absence of conclusive functional and genetic evidence.

Labcorp Genetics (formerly Invitae), Labcorp
Classification: Uncertain significance for Saldino-Mainzer syndrome. Last evaluated: 2026-01-11. Review status: criteria provided, single submitter. Criteria: Invitae Variant Classification Sherloc (09022015). Collection method: clinical testing. Allele origin: germline.
Comment: This sequence change replaces alanine, which is neutral and non-polar, with serine, which is neutral and polar, at codon 477 of the IFT140 protein (p.Ala477Ser). This variant is not present in population databases (gnomAD no frequency). This variant has not been reported in the literature in individuals affected with IFT140-related conditions. ClinVar contains an entry for this variant (Variation ID: 1374611). Invitae Evidence Modeling of protein sequence and biophysical properties (such as structural, functional, and spatial information, amino acid conservation, physicochemical variation, residue mobility, and thermodynamic stability) indicates that this missense variant is not expected to disrupt IFT140 protein function with a negative predictive value of 95%. In summary, the available evidence is currently insufficient to determine the role of this variant in disease. Therefore, it has been classified as a Variant of Uncertain Significance.

Fulgent Genetics
Classification: Uncertain significance for Saldino-Mainzer syndrome; Retinitis pigmentosa 80. Last evaluated: 2022-05-21. Review status: criteria provided, single submitter. Criteria: ACMG Guidelines, 2015. Collection method: clinical testing. Allele origin: unknown.